The following is an entry in ClinVar:

ClinVar aggregate classification (germline): Uncertain significance (1 of 4 stars; one submission).

Conditions:
Hereditary cancer-predisposing syndrome. Also called: Neoplastic Syndromes, Hereditary; Hereditary Cancer Syndrome; Hereditary neoplastic syndrome; Tumor predisposition. Identifiers: Orphanet 140162, MedGen C0027672, MeSH D009386, MONDO:0015356.

Submission:

Ambry Genetics
Classification: Uncertain significance for Hereditary cancer-predisposing syndrome. Last evaluated: 2023-05-08. Review status: criteria provided, single submitter. Criteria: Ambry Variant Classification Scheme 2023. Collection method: clinical testing. Allele origin: germline.
Comment: The p.I600N variant (also known as c.1799T>A), located in coding exon 9 of the BRCA1 gene, results from a T to A substitution at nucleotide position 1799. The isoleucine at codon 600 is replaced by asparagine, an amino acid with dissimilar properties. This amino acid position is not well conserved in available vertebrate species. In addition, the in silico prediction for this alteration is inconclusive. Since supporting evidence is limited at this time, the clinical significance of this alteration remains unclear.

NM_007294.4(BRCA1):c.1799T>A (p.Ile600Asn)

Gene: BRCA1 (BRCA1 DNA repair associated; minus strand). Cytogenetic location: 17q21.31.
Variant type: single nucleotide variant.
Coding change: c.1799T>A on transcript NM_007294.4 (MANE Select); coding-DNA position 1799, T replaced by A.
Protein change: p.Ile600Asn; replaces isoleucine 600 with asparagine.
Molecular consequence: missense variant. On other transcripts: intron variant (137).
Genome position (GRCh38, 1-based): chr17:43,093,732, A>T on the plus strand (T>A on the coding strand, the complement: BRCA1 is on the minus strand). VCF-style: chr17-43093732-A-T. GRCh37 (hg19) VCF-style: chr17-41245749-A-T.
Other names: c.1799T>A, p.Ile600Asn (NM_001407603.1, NM_001407605.1, NM_001407616.1 and 30 more transcripts); c.1796T>A, p.Ile599Asn (NM_001407610.1, NM_001407611.1, NM_001407612.1 and 22 more transcripts); c.1586T>A, p.Ile529Asn (NM_001407571.1, NM_001407853.1, NM_001407894.1 and 9 more transcripts); c.1790T>A, p.Ile597Asn (NM_001407646.1, NM_001407647.1); c.1676T>A, p.Ile559Asn (NM_001407648.1, NM_001407664.1, NM_001407665.1 and 19 more transcripts); c.1673T>A, p.Ile558Asn (NM_001407649.1, NM_001407670.1, NM_001407671.1 and 11 more transcripts); c.1721T>A, p.Ile574Asn (NM_001407653.1, NM_001407654.1, NM_001407655.1 and 4 more transcripts); c.1718T>A, p.Ile573Asn (NM_001407659.1, NM_001407660.1, NM_001407661.1 and 1 more transcripts); and 40 more; short protein forms I512N, I529N, I530N, I559N, I573N, I304N, I432N, I488N.
Identifiers: ClinVar variation 2565355 (VCV002565355.2), dbSNP rs398122643, ClinGen allele CA10598421.